The following is an entry in ClinVar:

ClinVar aggregate classification (germline): Uncertain significance (1 of 4 stars; one submission).

Conditions:
Inborn genetic diseases. Identifiers: MedGen C0950123, MeSH D030342.

Submission:

Ambry Genetics
Classification: Uncertain significance for Inborn genetic diseases. Last evaluated: 2025-09-17. Review status: criteria provided, single submitter. Criteria: Ambry Variant Classification Scheme 2023. Collection method: clinical testing. Allele origin: germline.
Comment: The p.D370Y variant (also known as c.1108G>T), located in coding exon 8 of the BMPR2 gene, results from a G to T substitution at nucleotide position 1108. The aspartic acid at codon 370 is replaced by tyrosine, an amino acid with highly dissimilar properties. This amino acid position is conserved. In addition, the in silico prediction for this alteration is inconclusive. Based on the available evidence, the clinical significance of this variant remains unclear.

NM_001204.7(BMPR2):c.1108G>T (p.Asp370Tyr)

Gene: BMPR2 (bone morphogenetic protein receptor type 2; plus strand). Cytogenetic location: 2q33.2.
Variant type: single nucleotide variant.
Coding change: c.1108G>T on transcript NM_001204.7 (MANE Select); coding-DNA position 1108, G replaced by T.
Protein change: p.Asp370Tyr; replaces aspartic acid 370 with tyrosine.
Molecular consequence: missense variant.
Genome position (GRCh38, 1-based): chr2:202,530,934, G>T. VCF-style: chr2-202530934-G-T. GRCh37 (hg19) VCF-style: chr2-203395657-G-T.
Other names: short protein forms D370Y.
Identifiers: ClinVar variation 4596983 (VCV004596983.1).
Genomic context (GRCh38, chr2:202,530,934, plus strand): 5'-AGTGACTTTGGACTGTCCATGAGGCTGACTGGAAATAGACTGGTGCGCCCAGGGGAGGAA[G>T]ATAATGCAGCCATAAGCGAGGTGAGTGTATACAAAAGGTATCACACTGATGTACTTTGAA-3'
Protein context (NP_001195.2, residues 360-380): GNRLVRPGEE[Asp370Tyr]NAAISEVGTI